The following is an entry in ClinVar:

ClinVar aggregate classification (germline): Uncertain significance. Review status: criteria provided, multiple submitters, no conflicts (2 of 4 stars). 2 submissions from 2 submitters: Uncertain significance (2). Last evaluated 2026-03-12.

Conditions:
Hereditary cancer-predisposing syndrome. Also called: Tumor predisposition; Hereditary neoplastic syndrome; Hereditary Cancer Syndrome; Neoplastic Syndromes, Hereditary. Identifiers: Orphanet 140162, MedGen C0027672, MeSH D009386, MONDO:0015356.

Submissions (2):

Ambry Genetics
Classification: Uncertain significance for Hereditary cancer-predisposing syndrome. Last evaluated: 2026-03-12. Review status: criteria provided, single submitter. Criteria: Ambry Variant Classification Scheme 2023. Collection method: clinical testing. Allele origin: germline.
Comment: The c.150delC variant, located in coding exon 1 of the HOXB13 gene, results from a deletion of one nucleotide at nucleotide position 150, causing a translational frameshift with a predicted alternate stop codon (p.L51Wfs*47). This variant is expected to result in protein truncation or nonsense-mediated mRNA decay. However, loss of function has not been established as a mechanism of disease. Based on the available evidence, the clinical significance of this variant remains unclear.

Labcorp Genetics (formerly Invitae), Labcorp
Classification: Uncertain significance. Last evaluated: 2024-05-23. Review status: criteria provided, single submitter. Criteria: Invitae Variant Classification Sherloc (09022015). Collection method: clinical testing. Allele origin: germline.
Comment: This sequence change creates a premature translational stop signal (p.Leu51Trpfs*47) in the HOXB13 gene. It is expected to result in an absent or disrupted protein product. However, the current clinical and genetic evidence is not sufficient to establish whether loss-of-function variants in HOXB13 cause disease. This variant is not present in population databases (gnomAD no frequency). This variant has not been reported in the literature in individuals affected with HOXB13-related conditions. ClinVar contains an entry for this variant (Variation ID: 961624). In summary, the available evidence is currently insufficient to determine the role of this variant in disease. Therefore, it has been classified as a Variant of Uncertain Significance.

NM_006361.6(HOXB13):c.150del (p.Leu51fs)

Gene: HOXB13 (homeobox B13; minus strand). Cytogenetic location: 17q21.32.
Variant type: Deletion.
Coding change: c.150del on transcript NM_006361.6 (MANE Select); coding-DNA position 150, one base deleted (C; older notation c.150delC).
Protein change: p.Leu51fs; shifts the reading frame from leucine 51.
Molecular consequence: frameshift variant.
Genome position (GRCh38, 1-based): chr17:48,728,444, G deleted on the plus strand (C on the coding strand, the reverse complement: HOXB13 is on the minus strand); the first of 5 consecutive G bases (chr17:48,728,444-48,728,448); deleting any one gives the same sequence. VCF-style (leftmost placement, unchanged base first): chr17-48728443-AG-A. GRCh37 (hg19) VCF-style: chr17-46805805-AG-A.
Other names: c.150delC (NM_006361.5); short protein forms L51fs.
Identifiers: ClinVar variation 961624 (VCV000961624.8), dbSNP rs1597935013, ClinGen allele CA984335557.
Genomic context (GRCh38, chr17:48,728,443, plus strand): 5'-GGGGCACCCCAGGGCATGGGTGGCATTGCTTTGGCGGCTCCGCCGAGCCTGGCAGATCCA[AG>A]GGGGCATAGTTGACAGCAGGCATCAGCGTAGGCGCCGCTGGGTGGCTGGTCAGAGGGGAG-3'